The following is an entry in ClinVar:

NM_001909.5(CTSD):c.352+10G>C

Gene: CTSD (cathepsin D; minus strand). Cytogenetic location: 11p15.5.
Variant type: single nucleotide variant.
Coding change: c.352+10G>C on transcript NM_001909.5 (MANE Select); 10 bases into the intron after coding-DNA position 352, G replaced by C.
Molecular consequence: intron variant.
Genome position (GRCh38, 1-based): chr11:1,759,506, C>G on the plus strand (G>C on the coding strand, the complement: CTSD is on the minus strand). VCF-style: chr11-1759506-C-G. GRCh37 (hg19) VCF-style: chr11-1780736-C-G.
Identifiers: ClinVar variation 239070 (VCV000239070.11), dbSNP rs775828680, ClinGen allele CA5814230.

ClinVar aggregate classification (germline): Likely benign. Review status: criteria provided, multiple submitters, no conflicts (2 of 4 stars). 3 submissions from 3 submitters: Likely benign (3). Last evaluated 2024-12-17.

Conditions:
Neuronal ceroid lipofuscinosis. Also called: Neuronal Ceroid Lipofuscinoses. Identifiers: Orphanet 216, Orphanet 79263, MedGen C0027877, MONDO:0016295. Disease mechanism: loss of function.

Allele frequency attached by ClinVar (database versions not stated): TOPMed 0.00002.
gnomAD v4.1: 35 of 1,612,992 alleles (0.0022%); highest among the groups gnomAD compares: South Asian, 0.032%; no homozygotes.

Submissions (3):

Labcorp Genetics (formerly Invitae), Labcorp
Classification: Likely benign for Neuronal ceroid lipofuscinosis. Last evaluated: 2024-12-17. Review status: criteria provided, single submitter. Criteria: Invitae Variant Classification Sherloc (09022015). Collection method: clinical testing. Allele origin: germline.

Blueprint Genetics
Classification: Likely benign. Last evaluated: 2022-04-13. Review status: criteria provided, single submitter. Criteria: ACMG Guidelines, 2015. Collection method: clinical testing. Allele origin: germline.

GeneDx
Classification: Likely benign. Last evaluated: 2018-01-02. Review status: criteria provided, single submitter. Criteria: GeneDx Variant Classification (06012015). Collection method: clinical testing. Allele origin: germline. Affected: yes.
Comment: This variant is considered likely benign or benign based on one or more of the following criteria: it is a conservative change, it occurs at a poorly conserved position in the protein, it is predicted to be benign by multiple in silico algorithms, and/or has population frequency not consistent with disease.